The following is an entry in ClinVar:

NM_001292063.2(OTOG):c.5848G>A (p.Glu1950Lys)

Gene: OTOG (otogelin; plus strand). Cytogenetic location: 11p15.1.
Variant type: single nucleotide variant.
Coding change: c.5848G>A on transcript NM_001292063.2 (MANE Select); coding-DNA position 5848, G replaced by A.
Protein change: p.Glu1950Lys; replaces glutamic acid 1950 with lysine.
Molecular consequence: missense variant.
Genome position (GRCh38, 1-based): chr11:17,611,148, G>A. VCF-style: chr11-17611148-G-A. GRCh37 (hg19) VCF-style: chr11-17632695-G-A.
Other names: c.5884G>A, p.Glu1962Lys (NM_001277269.2); short protein forms E1962K, E1950K.
Identifiers: ClinVar variation 2184911 (VCV002184911.4), dbSNP rs866767745, ClinGen allele CA218477103.
Genomic context (GRCh38, chr11:17,611,148, plus strand): 5'-GGGCCCACAGAGCTCACGCCTGCTACGAGCCACCCTCTCACGCCCTTGGTGGCTGAGCCC[G>A]AGGGAGCCCAGGCAGGCACAGCTCTGCCAGTGCCCACATCCTATGCCCTGAGCCGTGTCT-3'
Protein context (NP_001278992.1, residues 1940-1960): HPLTPLVAEP[Glu1950Lys]GAQAGTALPV

ClinVar aggregate classification (germline): Uncertain significance (1 of 4 stars; one submission).

Allele frequency attached by ClinVar (database versions not stated): TOPMed 0.00002; gnomAD 0.00003.

Submission:

Labcorp Genetics (formerly Invitae), Labcorp
Classification: Uncertain significance. Last evaluated: 2022-08-31. Review status: criteria provided, single submitter. Criteria: Invitae Variant Classification Sherloc (09022015). Collection method: clinical testing. Allele origin: germline.
Comment: This sequence change replaces glutamic acid, which is acidic and polar, with lysine, which is basic and polar, at codon 1962 of the OTOG protein (p.Glu1962Lys). In summary, the available evidence is currently insufficient to determine the role of this variant in disease. Therefore, it has been classified as a Variant of Uncertain Significance. Algorithms developed to predict the effect of missense changes on protein structure and function output the following: SIFT: "Tolerated"; PolyPhen-2: "Benign"; Align-GVGD: "Class C0". The lysine amino acid residue is found in multiple mammalian species, which suggests that this missense change does not adversely affect protein function. This variant has not been reported in the literature in individuals affected with OTOG-related conditions. This variant is present in population databases (no rsID available, gnomAD 0.01%).